The following is an entry in ClinVar:

NM_021922.3(FANCE):c.1497G>C (p.Lys499Asn)

Gene: FANCE (FA complementation group E; plus strand). Cytogenetic location: 6p21.31.
Variant type: single nucleotide variant.
Coding change: c.1497G>C on transcript NM_021922.3 (MANE Select); coding-DNA position 1497, G replaced by C.
Protein change: p.Lys499Asn; replaces lysine 499 with asparagine.
Molecular consequence: missense variant.
Genome position (GRCh38, 1-based): chr6:35,462,902, G>C. VCF-style: chr6-35462902-G-C. GRCh37 (hg19) VCF-style: chr6-35430679-G-C.
Other names: short protein forms K499N.
Identifiers: ClinVar variation 1401065 (VCV001401065.3), dbSNP rs2150901647, ClinGen allele CA363778083.

ClinVar aggregate classification (germline): Uncertain significance (1 of 4 stars; one submission).

Conditions:
Fanconi anemia complementation group E (FANCE). Also called: FANCE-Related Fanconi Anemia. Identifiers: Orphanet 84, MedGen C3160739, MONDO:0010953, OMIM 600901.

gnomAD v4.1: 1 of 1,614,246 alleles (0.000062%); no homozygotes.

Submission:

Labcorp Genetics (formerly Invitae), Labcorp
Classification: Uncertain significance for Fanconi anemia complementation group E. Last evaluated: 2021-08-11. Review status: criteria provided, single submitter. Criteria: Invitae Variant Classification Sherloc (09022015). Collection method: clinical testing. Allele origin: germline.
Comment: This sequence change replaces lysine with asparagine at codon 499 of the FANCE protein (p.Lys499Asn). The lysine residue is highly conserved and there is a moderate physicochemical difference between lysine and asparagine. This variant is not present in population databases (ExAC no frequency). This variant has not been reported in the literature in individuals affected with FANCE-related conditions. Algorithms developed to predict the effect of missense changes on protein structure and function are either unavailable or do not agree on the potential impact of this missense change (SIFT: "Deleterious"; PolyPhen-2: "Probably Damaging"; Align-GVGD: "Class C0"). In summary, the available evidence is currently insufficient to determine the role of this variant in disease. Therefore, it has been classified as a Variant of Uncertain Significance.